The following is an entry in ClinVar:

ClinVar aggregate classification (germline): Uncertain significance (1 of 4 stars; one submission).

Conditions:
Cardiovascular phenotype. Identifiers: MedGen CN230736.

Submission:

Ambry Genetics
Classification: Uncertain significance for Cardiovascular phenotype. Last evaluated: 2023-12-22. Review status: criteria provided, single submitter. Criteria: Ambry Variant Classification Scheme 2023. Collection method: clinical testing. Allele origin: germline.
Comment: The c.555G>A variant (also known as p.V185V), located in coding exon 3 of the KCNQ1 gene, results from a G to A substitution at nucleotide position 555. This nucleotide substitution does not change the valine at codon 185. This nucleotide position is not well conserved in available vertebrate species. In silico splice site analysis predicts that this alteration may result in the creation or strengthening of a novel splice donor site. Since supporting evidence is limited at this time, the clinical significance of this alteration remains unclear.

NM_000218.3(KCNQ1):c.555G>A (p.Val185=)

Gene: KCNQ1 (potassium voltage-gated channel subfamily Q member 1; plus strand). Cytogenetic location: 11p15.5.
Variant type: single nucleotide variant.
Coding change: c.555G>A on transcript NM_000218.3 (MANE Select); coding-DNA position 555, G replaced by A.
Protein change: p.Val185=; no amino-acid change (valine 185 retained).
Molecular consequence: synonymous variant. On other transcripts: intron variant (1).
Genome position (GRCh38, 1-based): chr11:2,570,705, G>A. VCF-style: chr11-2570705-G-A. GRCh37 (hg19) VCF-style: chr11-2591935-G-A.
Other names: c.555G>A, p.Val185= (NM_001406836.1); c.285G>A, p.Val95= (NM_001406837.1); c.174G>A, p.Val58= (NM_181798.2); c.478-12730G>A (NM_001406838.1).
Identifiers: ClinVar variation 3230639 (VCV003230639.1), dbSNP rs2493667812, ClinGen allele CA472037855.